The following is an entry in ClinVar:

ClinVar aggregate classification (germline): Uncertain significance (1 of 4 stars; one submission).

Conditions:
Hereditary cancer-predisposing syndrome. Also called: Neoplastic Syndromes, Hereditary; Tumor predisposition; Hereditary neoplastic syndrome; Hereditary Cancer Syndrome. Identifiers: Orphanet 140162, MedGen C0027672, MeSH D009386, MONDO:0015356.

Submission:

Ambry Genetics
Classification: Uncertain significance for Hereditary cancer-predisposing syndrome. Last evaluated: 2025-05-15. Review status: criteria provided, single submitter. Criteria: Ambry Variant Classification Scheme 2023. Collection method: clinical testing. Allele origin: germline.
Comment: The p.L14H variant (also known as c.41T>A), located in coding exon 1 of the GREM1 gene, results from a T to A substitution at nucleotide position 41. The leucine at codon 14 is replaced by histidine, an amino acid with similar properties. This amino acid position is conserved. In addition, this alteration is predicted to be tolerated by in silico analysis. Based on the available evidence, the clinical significance of this variant remains unclear.

NM_013372.7(GREM1):c.41T>A (p.Leu14His)

Gene: GREM1 (gremlin 1, DAN family BMP antagonist; plus strand). Cytogenetic location: 15q13.3.
Variant type: single nucleotide variant.
Coding change: c.41T>A on transcript NM_013372.7 (MANE Select); coding-DNA position 41, T replaced by A.
Protein change: p.Leu14His; replaces leucine 14 with histidine.
Molecular consequence: missense variant. On other transcripts: intron variant (1).
Genome position (GRCh38, 1-based): chr15:32,730,731, T>A. VCF-style: chr15-32730731-T-A. GRCh37 (hg19) VCF-style: chr15-33022932-T-A.
Other names: c.41T>A, p.Leu14His (NM_001191323.2, NM_001368719.1); c.27+14T>A (NM_001191322.2); short protein forms L14H.
Identifiers: ClinVar variation 4032198 (VCV004032198.1).